The following is an entry in ClinVar:

ClinVar aggregate classification (germline): Uncertain significance. Review status: criteria provided, multiple submitters, no conflicts (2 of 4 stars). 3 submissions from 3 submitters: Uncertain significance (3). Last evaluated 2025-06-06.

Conditions:
Muscular dystrophy-dystroglycanopathy (congenital with brain and eye anomalies), type a, 11 (MDDGA11). Also called: WALKER-WARBURG SYNDROME OR MUSCLE-EYE-BRAIN DISEASE, B3GALNT2-RELATED; Congenital muscular dystrophy-dystroglycanopathy with brain and eye anomalies, type A11; Muscular dystrophy-dystroglycanopathy (congenital with brain and eye anomalies, type A, 11. Identifiers: Orphanet 588, Orphanet 899, MedGen C3554638, MONDO:0014071, OMIM 615181.
Inborn genetic diseases. Identifiers: MedGen C0950123, MeSH D030342.

Allele frequency attached by ClinVar (database versions not stated): gnomAD 0.00001 and 0.00002; TOPMed 0.00002; ESP Exome Variant Server 0.00008.

Submissions (3):

Ambry Genetics
Classification: Uncertain significance for Inborn genetic diseases. Last evaluated: 2025-06-06. Review status: criteria provided, single submitter. Criteria: Ambry Variant Classification Scheme 2023. Collection method: clinical testing. Allele origin: germline.

Labcorp Genetics (formerly Invitae), Labcorp
Classification: Uncertain significance for Muscular dystrophy-dystroglycanopathy (congenital with brain and eye anomalies), type a, 11. Last evaluated: 2023-08-17. Review status: criteria provided, single submitter. Criteria: Invitae Variant Classification Sherloc (09022015). Collection method: clinical testing. Allele origin: germline.
Comment: This sequence change replaces aspartic acid, which is acidic and polar, with asparagine, which is neutral and polar, at codon 165 of the B3GALNT2 protein (p.Asp165Asn). This variant is present in population databases (rs377646173, gnomAD 0.01%). This variant has not been reported in the literature in individuals affected with B3GALNT2-related conditions. ClinVar contains an entry for this variant (Variation ID: 861145). Advanced modeling of protein sequence and biophysical properties (such as structural, functional, and spatial information, amino acid conservation, physicochemical variation, residue mobility, and thermodynamic stability) performed at Invitae indicates that this missense variant is not expected to disrupt B3GALNT2 protein function. In summary, the available evidence is currently insufficient to determine the role of this variant in disease. Therefore, it has been classified as a Variant of Uncertain Significance.

Revvity Omics, Revvity
Classification: Uncertain significance for Muscular dystrophy-dystroglycanopathy (congenital with brain and eye anomalies), type a, 11. Last evaluated: 2019-10-25. Review status: criteria provided, single submitter. Criteria: ACMG Guidelines, 2015. Collection method: clinical testing. Allele origin: germline.

NM_152490.5(B3GALNT2):c.493G>A (p.Asp165Asn)

Gene: B3GALNT2 (beta-1,3-N-acetylgalactosaminyltransferase 2; minus strand). Cytogenetic location: 1q42.3.
Variant type: single nucleotide variant.
Coding change: c.493G>A on transcript NM_152490.5 (MANE Select); coding-DNA position 493, G replaced by A.
Protein change: p.Asp165Asn; replaces aspartic acid 165 with asparagine.
Molecular consequence: missense variant.
Genome position (GRCh38, 1-based): chr1:235,484,384, C>T on the plus strand (G>A on the coding strand, the complement: B3GALNT2 is on the minus strand). VCF-style: chr1-235484384-C-T. GRCh37 (hg19) VCF-style: chr1-235647700-C-T.
Other names: c.616G>A, p.Asp206Asn (NM_001277155.3); c.493G>A (NM_152490.2); short protein forms D165N, D206N.
Identifiers: ClinVar variation 861145 (VCV000861145.8), dbSNP rs377646173, ClinGen allele CA1464894.